The following is an entry in ClinVar:

ClinVar aggregate classification (germline): Uncertain significance. Review status: criteria provided, multiple submitters, no conflicts (2 of 4 stars). 2 submissions from 2 submitters: Uncertain significance (2). Last evaluated 2022-06-12.

Conditions:
Mitochondrial complex I deficiency, nuclear type 5. Also called: Mitochondrial complex 1 deficiency, nuclear type 5. Identifiers: MedGen C4748754, MONDO:0032610, OMIM 618226.

Allele frequency attached by ClinVar (database versions not stated): gnomAD exomes below 0.00001 and 0.00003; TOPMed 0.00001; ExAC 0.00004.
gnomAD v4.1: 6 of 1,613,944 alleles (0.00037%); highest among the groups gnomAD compares: Admixed American, 0.01%; no homozygotes.

Submissions (2):

Labcorp Genetics (formerly Invitae), Labcorp
Classification: Uncertain significance. Last evaluated: 2022-06-12. Review status: criteria provided, single submitter. Criteria: Invitae Variant Classification Sherloc (09022015). Collection method: clinical testing. Allele origin: germline.
Comment: This sequence change replaces threonine, which is neutral and polar, with alanine, which is neutral and non-polar, at codon 441 of the NDUFS1 protein (p.Thr441Ala). This variant is present in population databases (rs769167029, gnomAD 0.02%). This variant has not been reported in the literature in individuals affected with NDUFS1-related conditions. ClinVar contains an entry for this variant (Variation ID: 1030868). Algorithms developed to predict the effect of missense changes on protein structure and function (SIFT, PolyPhen-2, Align-GVGD) all suggest that this variant is likely to be tolerated. In summary, the available evidence is currently insufficient to determine the role of this variant in disease. Therefore, it has been classified as a Variant of Uncertain Significance.

Baylor Genetics
Classification: Uncertain significance for Mitochondrial complex I deficiency, nuclear type 5. Last evaluated: 2019-11-22. Review status: criteria provided, single submitter. Criteria: ACMG Guidelines, 2015. Collection method: clinical testing. Allele origin: unknown. Affected: yes.
Comment: This variant was determined to be of uncertain significance according to ACMG Guidelines, 2015 [PMID:25741868].

NM_005006.7(NDUFS1):c.1321A>G (p.Thr441Ala)

Gene: NDUFS1 (NADH:ubiquinone oxidoreductase core subunit S1; minus strand). Cytogenetic location: 2q33.3.
Variant type: single nucleotide variant.
Coding change: c.1321A>G on transcript NM_005006.7 (MANE Select); coding-DNA position 1321, A replaced by G.
Protein change: p.Thr441Ala; replaces threonine 441 with alanine.
Molecular consequence: missense variant.
Genome position (GRCh38, 1-based): chr2:206,138,556, T>C on the plus strand (A>G on the coding strand, the complement: NDUFS1 is on the minus strand). VCF-style: chr2-206138556-T-C. GRCh37 (hg19) VCF-style: chr2-207003280-T-C.
Other names: c.1213A>G, p.Thr405Ala (NM_001199981.2); c.988A>G, p.Thr330Ala (NM_001199982.2); c.1150A>G, p.Thr384Ala (NM_001199983.2); c.1363A>G, p.Thr455Ala (NM_001199984.2); short protein forms T330A, T384A, T405A, T441A, T455A.
Identifiers: ClinVar variation 1030868 (VCV001030868.3), dbSNP rs769167029, ClinGen allele CA2070491.
Genomic context (GRCh38, chr2:206,138,556, plus strand): 5'-GATGGCTTCCCGAAGCAATGTCTTGAAGAATTTTGGGGGAGTCTCCCAGGTGGTCATATG[T>C]GTAAGTGAGGTCCACTGGACTGCCTATAAGGGCCACTTTTAAGTCATTATGCAGCCAGCT-3'
Protein context (NP_004997.4, residues 431-451): LIGSPVDLTY[Thr441Ala]YDHLGDSPKI